The following is an entry in ClinVar:

NM_001563.4(IMPG1):c.222C>A (p.Phe74Leu)

Gene: IMPG1 (interphotoreceptor matrix proteoglycan 1; minus strand). Cytogenetic location: 6q14.1.
Variant type: single nucleotide variant.
Coding change: c.222C>A on transcript NM_001563.4 (MANE Select); coding-DNA position 222, C replaced by A.
Protein change: p.Phe74Leu; replaces phenylalanine 74 with leucine.
Molecular consequence: missense variant. On other transcripts: intron variant (1).
Genome position (GRCh38, 1-based): chr6:76,041,972, G>T on the plus strand (C>A on the coding strand, the complement: IMPG1 is on the minus strand). VCF-style: chr6-76041972-G-T. GRCh37 (hg19) VCF-style: chr6-76751689-G-T.
Other names: c.68-7185C>A (NM_001282368.2); short protein forms F74L.
Identifiers: ClinVar variation 1016781 (VCV001016781.8), dbSNP rs780783100, ClinGen allele CA3898611.

ClinVar aggregate classification (germline): Uncertain significance (1 of 4 stars; one submission).

Allele frequency attached by ClinVar (database versions not stated): gnomAD exomes below 0.00001; ExAC 0.00001.
gnomAD v4.1: 1 of 1,613,944 alleles (0.000062%); highest among the groups gnomAD compares: Non-Finnish European, 0.000085%; no homozygotes.

Submission:

Labcorp Genetics (formerly Invitae), Labcorp
Classification: Uncertain significance. Last evaluated: 2021-01-14. Review status: criteria provided, single submitter. Criteria: Invitae Variant Classification Sherloc (09022015). Collection method: clinical testing. Allele origin: germline.
Comment: In summary, the available evidence is currently insufficient to determine the role of this variant in disease. Therefore, it has been classified as a Variant of Uncertain Significance. Algorithms developed to predict the effect of missense changes on protein structure and function output the following: SIFT: "Tolerated"; PolyPhen-2: "Benign"; Align-GVGD: "Class C0". The leucine amino acid residue is found in multiple mammalian species, suggesting that this missense change does not adversely affect protein function. These predictions have not been confirmed by published functional studies and their clinical significance is uncertain. This variant has not been reported in the literature in individuals with IMPG1-related conditions. This variant is present in population databases (rs780783100, ExAC 0.001%). This sequence change replaces phenylalanine with leucine at codon 74 of the IMPG1 protein (p.Phe74Leu). The phenylalanine residue is moderately conserved and there is a small physicochemical difference between phenylalanine and leucine.